The following is an entry in ClinVar:

NM_000222.3(KIT):c.1056C>G (p.Asn352Lys)

Gene: KIT (KIT proto-oncogene, receptor tyrosine kinase; plus strand). Cytogenetic location: 4q12.
Variant type: single nucleotide variant.
Coding change: c.1056C>G on transcript NM_000222.3 (MANE Select); coding-DNA position 1056, C replaced by G.
Protein change: p.Asn352Lys; replaces asparagine 352 with lysine.
Molecular consequence: missense variant.
Genome position (GRCh38, 1-based): chr4:54,707,228, C>G. VCF-style: chr4-54707228-C-G. GRCh37 (hg19) VCF-style: chr4-55573394-C-G.
Other names: c.1056C>G, p.Asn352Lys (NM_001093772.2, NM_001385285.1, NM_001385286.1); c.1059C>G, p.Asn353Lys (NM_001385284.1, NM_001385288.1, NM_001385290.1 and 1 more transcripts); short protein forms N352K, N353K.
Identifiers: ClinVar variation 528581 (VCV000528581.14), dbSNP rs372759291, ClinGen allele CA2923360.

ClinVar aggregate classification (germline): Uncertain significance. Review status: criteria provided, multiple submitters, no conflicts (2 of 4 stars). 4 submissions from 4 submitters: Uncertain significance (4). Last evaluated 2025-11-10.

Conditions:
Hereditary cancer-predisposing syndrome. Also called: Tumor predisposition; Hereditary neoplastic syndrome; Hereditary Cancer Syndrome; Neoplastic Syndromes, Hereditary. Identifiers: Orphanet 140162, MedGen C0027672, MeSH D009386, MONDO:0015356.
Gastrointestinal stromal tumor. Also called: Gastrointestinal stroma tumor; Gastrointestinal stromal tumor, somatic. Identifiers: Orphanet 44890, MedGen C0238198, MeSH D046152, MONDO:0011719, OMIM 606764, HP:0100723.

Allele frequency attached by ClinVar (database versions not stated): gnomAD exomes below 0.00001; ExAC 0.00001; gnomAD 0.00001; TOPMed 0.00002; ESP Exome Variant Server 0.00008.
gnomAD v4.1: 3 of 1,612,290 alleles (0.00019%); highest among the groups gnomAD compares: African/African-American, 0.004%; no homozygotes.

Submissions (4):

Labcorp Genetics (formerly Invitae), Labcorp
Classification: Uncertain significance for Gastrointestinal stromal tumor. Last evaluated: 2025-11-10. Review status: criteria provided, single submitter. Criteria: Invitae Variant Classification Sherloc (09022015). Collection method: clinical testing. Allele origin: germline.
Comment: This sequence change replaces asparagine, which is neutral and polar, with lysine, which is basic and polar, at codon 352 of the KIT protein (p.Asn352Lys). This variant is not present in population databases (gnomAD no frequency). This variant has not been reported in the literature in individuals affected with KIT-related conditions. ClinVar contains an entry for this variant (Variation ID: 528581). An algorithm developed to predict the effect of missense changes on protein structure and function (PolyPhen-2) suggests that this variant is likely to be disruptive. In summary, the available evidence is currently insufficient to determine the role of this variant in disease. Therefore, it has been classified as a Variant of Uncertain Significance.

Ambry Genetics
Classification: Uncertain significance for Hereditary cancer-predisposing syndrome. Last evaluated: 2025-03-22. Review status: criteria provided, single submitter. Criteria: Ambry Variant Classification Scheme 2023. Collection method: clinical testing. Allele origin: germline.
Comment: The p.N352K variant (also known as c.1056C>G), located in coding exon 6 of the KIT gene, results from a C to G substitution at nucleotide position 1056. The asparagine at codon 352 is replaced by lysine, an amino acid with similar properties. This amino acid position is conserved. In addition, this alteration is predicted to be tolerated by in silico analysis. Since supporting evidence is limited at this time, the clinical significance of this alteration remains unclear.

Baylor Genetics
Classification: Uncertain significance for Gastrointestinal stromal tumor. Last evaluated: 2023-12-26. Review status: criteria provided, single submitter. Criteria: ACMG Guidelines, 2015. Collection method: clinical testing. Allele origin: unknown.

GeneDx
Classification: Uncertain significance. Last evaluated: 2023-11-21. Review status: criteria provided, single submitter. Criteria: GeneDx Variant Classification Process June 2021. Collection method: clinical testing. Allele origin: germline. Affected: yes.
Comment: Not observed at significant frequency in large population cohorts (gnomAD); In silico analysis supports that this missense variant has a deleterious effect on protein structure/function; Has not been previously published as pathogenic or benign to our knowledge